The following is an entry in ClinVar:

NM_000268.4(NF2):c.1075A>G (p.Arg359Gly)

Gene: NF2 (NF2, moesin-ezrin-radixin like (MERLIN) tumor suppressor; plus strand). Cytogenetic location: 22q12.2.
Variant type: single nucleotide variant.
Coding change: c.1075A>G on transcript NM_000268.4 (MANE Select); coding-DNA position 1075, A replaced by G.
Protein change: p.Arg359Gly; replaces arginine 359 with glycine.
Molecular consequence: missense variant. On other transcripts: non-coding transcript variant (1), intron variant (1).
Genome position (GRCh38, 1-based): chr22:29,671,901, A>G. VCF-style: chr22-29671901-A-G. GRCh37 (hg19) VCF-style: chr22-30067890-A-G.
Other names: c.961A>G, p.Arg321Gly (NM_001407053.1, NM_001407056.1); c.952A>G, p.Arg318Gly (NM_001407054.1, NM_001407058.1, NM_181829.3); c.949A>G, p.Arg317Gly (NM_001407055.1, NM_181828.3); c.940A>G, p.Arg314Gly (NM_001407057.1, NM_001407059.1); c.1075A>G, p.Arg359Gly (NM_001407060.1, NM_001407066.1, NM_016418.5 and 2 more transcripts); c.817A>G, p.Arg273Gly (NM_001407062.1); c.826A>G, p.Arg276Gly (NM_001407063.1, NM_001407064.1, NM_181830.3 and 1 more transcripts); c.541A>G, p.Arg181Gly (NM_001407065.1); and 2 more; short protein forms R181G, R273G, R282G, R317G, R359G, R276G, R314G, R318G.
Identifiers: ClinVar variation 1784645 (VCV001784645.8), dbSNP rs1465752977, ClinGen allele CA411147020.

ClinVar aggregate classification (germline): Uncertain significance. Review status: criteria provided, multiple submitters, no conflicts (2 of 4 stars). 2 submissions from 2 submitters: Uncertain significance (2). Last evaluated 2025-05-11.

Conditions:
Hereditary cancer-predisposing syndrome. Also called: Tumor predisposition; Neoplastic Syndromes, Hereditary; Hereditary Cancer Syndrome; Hereditary neoplastic syndrome. Identifiers: Orphanet 140162, MedGen C0027672, MeSH D009386, MONDO:0015356.
Neurofibromatosis, type 2 (SWNV). Also called: NF2-Related Schwannomatosis; SCHWANNOMATOSIS, VESTIBULAR; BILATERAL ACOUSTIC NEUROFIBROMATOSIS. Identifiers: Orphanet 637, MedGen C0027832, MONDO:0007039, OMIM 101000. Disease mechanism: loss of function.

Allele frequency attached by ClinVar (database versions not stated): gnomAD exomes below 0.00001.
gnomAD v4.1: 1 of 1,614,160 alleles (0.000062%); highest among the groups gnomAD compares: Non-Finnish European, 0.000085%; no homozygotes.

Submissions (2):

Ambry Genetics
Classification: Uncertain significance for Hereditary cancer-predisposing syndrome. Last evaluated: 2025-05-11. Review status: criteria provided, single submitter. Criteria: Ambry Variant Classification Scheme 2023. Collection method: clinical testing. Allele origin: germline.
Comment: The p.R359G variant (also known as c.1075A>G), located in coding exon 11 of the NF2 gene, results from an A to G substitution at nucleotide position 1075. The arginine at codon 359 is replaced by glycine, an amino acid with dissimilar properties. This amino acid position is conserved. In addition, this alteration is predicted to be deleterious by in silico analysis. Since supporting evidence is limited at this time, the clinical significance of this alteration remains unclear.

Labcorp Genetics (formerly Invitae), Labcorp
Classification: Uncertain significance for Neurofibromatosis, type 2. Last evaluated: 2024-09-14. Review status: criteria provided, single submitter. Criteria: Invitae Variant Classification Sherloc (09022015). Collection method: clinical testing. Allele origin: germline.
Comment: This sequence change replaces arginine, which is basic and polar, with glycine, which is neutral and non-polar, at codon 359 of the NF2 protein (p.Arg359Gly). This variant is present in population databases (no rsID available, gnomAD 0.0009%). This variant has not been reported in the literature in individuals affected with NF2-related conditions. ClinVar contains an entry for this variant (Variation ID: 1784645). Invitae Evidence Modeling of protein sequence and biophysical properties (such as structural, functional, and spatial information, amino acid conservation, physicochemical variation, residue mobility, and thermodynamic stability) indicates that this missense variant is expected to disrupt NF2 protein function with a positive predictive value of 80%. In summary, the available evidence is currently insufficient to determine the role of this variant in disease. Therefore, it has been classified as a Variant of Uncertain Significance.